The following is an entry in ClinVar:

NM_032242.4(PLXNA1):c.817G>A (p.Ala273Thr)

Gene: PLXNA1 (plexin A1; plus strand). Cytogenetic location: 3q21.3.
Variant type: single nucleotide variant.
Coding change: c.817G>A on transcript NM_032242.4 (MANE Select); coding-DNA position 817, G replaced by A.
Protein change: p.Ala273Thr; replaces alanine 273 with threonine.
Molecular consequence: missense variant.
Genome position (GRCh38, 1-based): chr3:126,989,410, G>A. VCF-style: chr3-126989410-G-A. GRCh37 (hg19) VCF-style: chr3-126708253-G-A.
Other names: short protein forms A273T.
Identifiers: ClinVar variation 2635779 (VCV002635779.3), dbSNP rs773111448, ClinGen allele CA2593052.

ClinVar aggregate classification (germline): Uncertain significance. Review status: criteria provided, multiple submitters, no conflicts (2 of 4 stars). 2 submissions from 2 submitters: Uncertain significance (2). Last evaluated 2026-05-03.

Conditions:
PLXNA1-related disorder. Also called: PLXNA1-related condition.

Allele frequency attached by ClinVar (database versions not stated): ExAC 0.00004.

Submissions (2):

PreventionGenetics, part of Exact Sciences
Classification: Uncertain significance for PLXNA1-related condition. Last evaluated: 2026-05-03. Review status: criteria provided, single submitter. Criteria: ACMG Guidelines, 2015. Collection method: clinical testing. Allele origin: germline.
Comment: The PLXNA1 c.817G>A variant is predicted to result in the amino acid substitution p.Ala273Thr. To our knowledge, this variant has not been reported in the literature. This variant is reported in 0.022% of alleles in individuals of East Asian descent in gnomAD. At this time, the clinical significance of this variant is uncertain due to the absence of conclusive functional and genetic evidence.

Ambry Genetics
Classification: Uncertain significance. Last evaluated: 2025-03-22. Review status: criteria provided, single submitter. Criteria: Ambry Variant Classification Scheme 2023. Collection method: clinical testing. Allele origin: germline.